The following is an entry in ClinVar:

ClinVar aggregate classification (germline): Uncertain significance (1 of 4 stars; one submission).

Submission:

GeneDx
Classification: Uncertain significance. Last evaluated: 2024-05-09. Review status: criteria provided, single submitter. Criteria: GeneDx Variant Classification Process June 2021. Collection method: clinical testing. Allele origin: germline. Affected: yes.
Comment: Not observed at significant frequency in large population cohorts (gnomAD); In silico analysis supports that this missense variant has a deleterious effect on protein structure/function; Has not been previously published as pathogenic or benign to our knowledge

NM_001256012.3(MYH10):c.2821A>T (p.Arg941Trp)

Gene: MYH10 (myosin heavy chain 10; minus strand). Cytogenetic location: 17p13.1.
Variant type: single nucleotide variant.
Coding change: c.2821A>T on transcript NM_001256012.3 (MANE Select); coding-DNA position 2821, A replaced by T.
Protein change: p.Arg941Trp; replaces arginine 941 with tryptophan.
Molecular consequence: missense variant.
Genome position (GRCh38, 1-based): chr17:8,512,582, T>A on the plus strand (A>T on the coding strand, the complement: MYH10 is on the minus strand). VCF-style: chr17-8512582-T-A. GRCh37 (hg19) VCF-style: chr17-8415900-T-A.
Other names: c.2755A>T, p.Arg919Trp (NM_001256095.2); c.2758A>T, p.Arg920Trp (NM_001375266.1); c.2728A>T, p.Arg910Trp (NM_005964.5); short protein forms R910W, R919W, R920W, R941W.
Identifiers: ClinVar variation 3378127 (VCV003378127.1).
Genomic context (GRCh38, chr17:8,512,582, plus strand): 5'-TAGACTCCAAGTCATGTAGAATCTCTTCTAATTCCTGCTTTTTAGCAGCAAGTCTTGCCC[T>A]CATCTCTTCTGCTTCAGCAAAGAGCTCAGTCTCTGCTTGTAGTTGTTCTGCAAGGATATT-3'
Protein context (NP_001242941.1, residues 931-951): TELFAEAEEM[Arg941Trp]ARLAAKKQEL